The following is an entry in ClinVar:

NM_078480.3(PUF60):c.175C>G (p.Leu59Val)

Gene: PUF60 (poly(U) binding splicing factor 60; minus strand). Cytogenetic location: 8q24.3.
Variant type: single nucleotide variant.
Coding change: c.175C>G on transcript NM_078480.3 (MANE Select); coding-DNA position 175, C replaced by G.
Protein change: p.Leu59Val; replaces leucine 59 with valine.
Molecular consequence: missense variant.
Genome position (GRCh38, 1-based): chr8:143,821,850, G>C on the plus strand (C>G on the coding strand, the complement: PUF60 is on the minus strand). VCF-style: chr8-143821850-G-C. GRCh37 (hg19) VCF-style: chr8-144904020-G-C.
Other names: c.46C>G, p.Leu16Val (NM_001136033.3, NM_001271100.2); c.172C>G, p.Leu58Val (NM_001271096.2, NM_001271098.2); c.88C>G, p.Leu30Val (NM_001271097.2, NM_001271099.2); c.286C>G, p.Leu96Val (NM_001362895.2, NM_001362896.2, NM_001362897.2); c.175C>G, p.Leu59Val (NM_014281.5); short protein forms L16V, L30V, L58V, L59V, L96V.
Identifiers: ClinVar variation 3253070 (VCV003253070.1), dbSNP rs912975181.

ClinVar aggregate classification (germline): Uncertain significance (1 of 4 stars; one submission).

Allele frequency attached by ClinVar (database versions not stated): gnomAD exomes 0.00001.
gnomAD v4.1: 13 of 1,611,026 alleles (0.00081%); highest among the groups gnomAD compares: Non-Finnish European, 0.0011%; no homozygotes.

Submission:

GeneDx
Classification: Uncertain significance. Last evaluated: 2023-06-14. Review status: criteria provided, single submitter. Criteria: GeneDx Variant Classification Process June 2021. Collection method: clinical testing. Allele origin: germline. Affected: yes.
Comment: Not observed at significant frequency in large population cohorts (gnomAD); In silico analysis supports that this missense variant has a deleterious effect on protein structure/function; Has not been previously published as pathogenic or benign to our knowledge